The following is an entry in ClinVar:

NM_001320714.2(DOP1B):c.3610G>T (p.Ala1204Ser)

Gene: DOP1B (DOP1 leucine zipper like protein B; plus strand). Cytogenetic location: 21q22.12.
Variant type: single nucleotide variant.
Coding change: c.3610G>T on transcript NM_001320714.2 (MANE Select); coding-DNA position 3610, G replaced by T.
Protein change: p.Ala1204Ser; replaces alanine 1204 with serine.
Molecular consequence: missense variant.
Genome position (GRCh38, 1-based): chr21:36,245,590, G>T. VCF-style: chr21-36245590-G-T. GRCh37 (hg19) VCF-style: chr21-37617888-G-T.
Other names: c.3610G>T, p.Ala1204Ser (NM_005128.4); short protein forms A1204S.
Identifiers: ClinVar variation 3239022 (VCV003239022.19), dbSNP rs145394127.

ClinVar aggregate classification (germline): Likely benign (1 of 4 stars; one submission).

Allele frequency attached by ClinVar (database versions not stated): ExAC 0.00032; ESP Exome Variant Server 0.00054; gnomAD 0.00090; TOPMed 0.00103; 1000 Genomes Project 30x 0.00187; 1000 Genomes Project 0.00220.
gnomAD v4.1: 467 of 1,613,334 alleles (0.029%); highest among the groups gnomAD compares: Middle Eastern, 0.73%; 2 homozygotes.

Submission:

CeGaT Center for Human Genetics Tuebingen
Classification: Likely benign. Last evaluated: 2024-05-01. Review status: criteria provided, single submitter. Criteria: CeGaT Center For Human Genetics Tuebingen Variant Classification Criteria Version 2. Collection method: clinical testing. Allele origin: germline. Affected: yes. Observed: 1 variant allele.
Comment: DOP1B: BP4